The following is an entry in ClinVar:

NM_014423.4(AFF4):c.2128G>A (p.Asp710Asn)

Gene: AFF4 (ALF transcription elongation factor 4; minus strand). Cytogenetic location: 5q31.1.
Variant type: single nucleotide variant.
Coding change: c.2128G>A on transcript NM_014423.4 (MANE Select); coding-DNA position 2128, G replaced by A.
Protein change: p.Asp710Asn; replaces aspartic acid 710 with asparagine.
Molecular consequence: missense variant.
Genome position (GRCh38, 1-based): chr5:132,896,502, C>T on the plus strand (G>A on the coding strand, the complement: AFF4 is on the minus strand). VCF-style: chr5-132896502-C-T. GRCh37 (hg19) VCF-style: chr5-132232194-C-T.
Other names: short protein forms D710N.
Identifiers: ClinVar variation 3624540 (VCV003624540.2).

ClinVar aggregate classification (germline): Uncertain significance (1 of 4 stars; one submission).

Conditions:
Cognitive impairment - coarse facies - heart defects - obesity - pulmonary involvement - short stature - skeletal dysplasia syndrome. Also called: AFF4-Related CHOPS Syndrome; COGNITIVE IMPAIRMENT, COARSE FACIES, HEART DEFECTS, OBESITY, PULMONARY INVOLVEMENT, SHORT STATURE, AND SKELETAL DYSPLASIA; Chops syndrome. Identifiers: Orphanet 444077, MedGen C4085597, MONDO:0014609, OMIM 616368.

gnomAD v4.1: 7 of 1,614,066 alleles (0.00043%); highest among the groups gnomAD compares: Non-Finnish European, 0.00059%; no homozygotes.

Submission:

Labcorp Genetics (formerly Invitae), Labcorp
Classification: Uncertain significance for Cognitive impairment - coarse facies - heart defects - obesity - pulmonary involvement - short stature - skeletal dysplasia syndrome. Last evaluated: 2024-04-03. Review status: criteria provided, single submitter. Criteria: Invitae Variant Classification Sherloc (09022015). Collection method: clinical testing. Allele origin: germline.
Comment: This sequence change replaces aspartic acid, which is acidic and polar, with asparagine, which is neutral and polar, at codon 710 of the AFF4 protein (p.Asp710Asn). This variant is not present in population databases (gnomAD no frequency). This variant has not been reported in the literature in individuals affected with AFF4-related conditions. Advanced modeling of protein sequence and biophysical properties (such as structural, functional, and spatial information, amino acid conservation, physicochemical variation, residue mobility, and thermodynamic stability) performed at Invitae indicates that this missense variant is not expected to disrupt AFF4 protein function with a negative predictive value of 80%. In summary, the available evidence is currently insufficient to determine the role of this variant in disease. Therefore, it has been classified as a Variant of Uncertain Significance.